The following is an entry in ClinVar:

NM_003242.6(TGFBR2):c.9G>A (p.Arg3=)

Gene: TGFBR2 (transforming growth factor beta receptor 2; plus strand). Cytogenetic location: 3p24.1.
Variant type: single nucleotide variant.
Coding change: c.9G>A on transcript NM_003242.6 (MANE Select); coding-DNA position 9, G replaced by A.
Protein change: p.Arg3=; no amino-acid change (arginine 3 retained).
Molecular consequence: synonymous variant. On other transcripts: 5 prime UTR variant (4), intron variant (2).
Genome position (GRCh38, 1-based): chr3:30,606,892, G>A. VCF-style: chr3-30606892-G-A. GRCh37 (hg19) VCF-style: chr3-30648384-G-A.
Other names: c.9G>A, p.Arg3= (NM_001024847.3, NM_001407126.1, NM_001407127.1 and 4 more transcripts); c.-275G>A (NM_001407133.1); c.-153G>A (NM_001407134.1); c.-200G>A (NM_001407135.1); c.-285G>A (NM_001407136.1); c.-12+299G>A (NM_001407129.1, NM_001407132.1).
Identifiers: ClinVar variation 628749 (VCV000628749.4), dbSNP rs1559443648, ClinGen allele CA433009875.

ClinVar aggregate classification (germline): Conflicting classifications of pathogenicity. Review status: criteria provided, conflicting classifications (1 of 4 stars). 2 submissions from 2 submitters: Uncertain risk allele (1); Likely benign (1). Last evaluated 2018-06-25.

Conditions:
Diabetic retinopathy. Identifiers: MedGen C0011884, MONDO:0005266.
Familial thoracic aortic aneurysm and aortic dissection (TAAD). Also called: Thoracic aortic aneurysms and dissections. Identifiers: Orphanet 91387, MedGen C4707243, MONDO:0019625.

Submissions (2):

Color Diagnostics, LLC DBA Color Health
Classification: Likely benign for Familial thoracic aortic aneurysm and aortic dissection. Last evaluated: 2018-06-25. Review status: criteria provided, single submitter. Criteria: ACMG Guidelines, 2015. Collection method: clinical testing. Allele origin: germline.

Clinical Genomics, Uppaluri K&H Personalized Medicine Clinic
Classification: Uncertain risk allele for Diabetic retinopathy. Review status: criteria provided, single submitter. Criteria: K And H Uppaluri Personalized Medicine Clinic Variant Classification And Assertion Criteria Updated V 2. Collection method: research. Allele origin: unknown.
Comment: Potent mutations in TGFBR2 gene encodes the transforming growth factor that have been associated with angiogenesis and diabetic retinopathy. More clinical studies are needed for stronger association. However, more evidence is required to confer the association of this particular variant rs1559443648 with diabetic retinopathy.

Literature cited by the submitters: PubMed 30222965 (cited by Clinical Genomics, Uppaluri K&H Personalized Medicine Clinic); PubMed 28162229 (cited by Clinical Genomics, Uppaluri K&H Personalized Medicine Clinic); PubMed 34572573 (cited by Clinical Genomics, Uppaluri K&H Personalized Medicine Clinic).